The following is an entry in ClinVar:

ClinVar aggregate classification (germline): Uncertain significance (1 of 4 stars; one submission).

Submission:

ARUP Laboratories, Molecular Genetics and Genomics, ARUP Laboratories
Classification: Uncertain significance. Last evaluated: 2025-05-06. Review status: criteria provided, single submitter. Criteria: ARUP Molecular Germline Variant Investigation Process 2024. Collection method: clinical testing. Allele origin: germline.
Comment: The PLCG2 c.3351G>T; p.Gln1117His variant, to our knowledge, is not reported in the medical literature or gene specific databases. This variant is also absent from the Genome Aggregation Database (v2.1.1), indicating it is not a common polymorphism. Computational analyses are uncertain whether this variant is neutral or deleterious (REVEL: 0.166). Due to limited information, the clinical significance of this variant is uncertain at this time.

NM_002661.5(PLCG2):c.3351G>T (p.Gln1117His)

Gene: PLCG2 (phospholipase C gamma 2; plus strand). Cytogenetic location: 16q23.3.
Variant type: single nucleotide variant.
Coding change: c.3351G>T on transcript NM_002661.5 (MANE Select); coding-DNA position 3351, G replaced by T.
Protein change: p.Gln1117His; replaces glutamine 1117 with histidine.
Molecular consequence: missense variant.
Genome position (GRCh38, 1-based): chr16:81,939,929, G>T. VCF-style: chr16-81939929-G-T. GRCh37 (hg19) VCF-style: chr16-81973534-G-T.
Other names: c.3351G>T, p.Gln1117His (NM_001425749.1, NM_001425750.1, NM_001425751.1); short protein forms Q1117H.
Identifiers: ClinVar variation 4685802 (VCV004685802.1).